The following is an entry in ClinVar:

NM_000553.6(WRN):c.3196A>G (p.Asn1066Asp)

Gene: WRN (WRN RecQ like helicase; plus strand). Cytogenetic location: 8p12.
Variant type: single nucleotide variant.
Coding change: c.3196A>G on transcript NM_000553.6 (MANE Select); coding-DNA position 3196, A replaced by G.
Protein change: p.Asn1066Asp; replaces asparagine 1066 with aspartic acid.
Molecular consequence: missense variant.
Genome position (GRCh38, 1-based): chr8:31,141,738, A>G. VCF-style: chr8-31141738-A-G. GRCh37 (hg19) VCF-style: chr8-30999254-A-G.
Other names: c.3196A>G (NM_000553.4); short protein forms N1066D.
Identifiers: ClinVar variation 1413690 (VCV001413690.7), dbSNP rs760392886, ClinGen allele CA370923104.

ClinVar aggregate classification (germline): Uncertain significance. Review status: criteria provided, multiple submitters, no conflicts (2 of 4 stars). 2 submissions from 2 submitters: Uncertain significance (2). Last evaluated 2025-09-09.

Conditions:
Inborn genetic diseases. Identifiers: MedGen C0950123, MeSH D030342.
Werner syndrome (WRN). Identifiers: Orphanet 902, MedGen C0043119, MONDO:0010196, OMIM 277700.

gnomAD v4.1: 2 of 1,614,134 alleles (0.00012%); highest among the groups gnomAD compares: Non-Finnish European, 0.00017%; no homozygotes.

Submissions (2):

Ambry Genetics
Classification: Uncertain significance for Inborn genetic diseases. Last evaluated: 2025-09-09. Review status: criteria provided, single submitter. Criteria: Ambry Variant Classification Scheme 2023. Collection method: clinical testing. Allele origin: germline.

Labcorp Genetics (formerly Invitae), Labcorp
Classification: Uncertain significance for Werner syndrome. Last evaluated: 2023-06-04. Review status: criteria provided, single submitter. Criteria: Invitae Variant Classification Sherloc (09022015). Collection method: clinical testing. Allele origin: germline.
Comment: In summary, the available evidence is currently insufficient to determine the role of this variant in disease. Therefore, it has been classified as a Variant of Uncertain Significance. Algorithms developed to predict the effect of missense changes on protein structure and function output the following: SIFT: "Not Available"; PolyPhen-2: "Benign"; Align-GVGD: "Not Available". The aspartic acid amino acid residue is found in multiple mammalian species, which suggests that this missense change does not adversely affect protein function. ClinVar contains an entry for this variant (Variation ID: 1413690). This variant has not been reported in the literature in individuals affected with WRN-related conditions. This variant is not present in population databases (gnomAD no frequency). This sequence change replaces asparagine, which is neutral and polar, with aspartic acid, which is acidic and polar, at codon 1066 of the WRN protein (p.Asn1066Asp).